The following is an entry in ClinVar:

ClinVar aggregate classification (germline): Likely pathogenic (1 of 4 stars; one submission).

Conditions:
Cone-rod dystrophy 3 (CORD3). Identifiers: Orphanet 1872, MedGen C1858806, MONDO:0011395, OMIM 604116.
Retinitis pigmentosa 19 (RP19). Also called: ABCA4-Related Retinitis Pigmentosa. Identifiers: Orphanet 791, MedGen C1866422, MONDO:0011137, OMIM 601718.
Age related macular degeneration 2. Also called: MACULAR DEGENERATION, SENILE; MACULOPATHY, AGE-RELATED, 2; MACULOPATHY, AGE-RELATED. Identifiers: MedGen C3495438, MONDO:0007932, OMIM 153800.
Severe early-childhood-onset retinal dystrophy (STGD1). Also called: Stargardt macular dystrophy; Juvenile onset macular degeneration; Stargardt disease 1; MACULAR DYSTROPHY WITH FLECKS, TYPE 1; STGD. Identifiers: Orphanet 364055, Orphanet 827, MedGen C1855465, MeSH D000080362, MONDO:0009549, OMIM 248200.

gnomAD v4.1: 1 of 1,614,082 alleles (0.000062%); highest among the groups gnomAD compares: Non-Finnish European, 0.000085%; no homozygotes.

Submission:

Juno Genomics, Hangzhou Juno Genomics, Inc
Classification: Likely pathogenic for Severe early-childhood-onset retinal dystrophy; Age related macular degeneration 2; Cone-rod dystrophy 3; Retinitis pigmentosa 19. Review status: criteria provided, single submitter. Criteria: ACMG Guidelines, 2015. Collection method: clinical testing. Allele origin: germline.
Comment: Null variant in a gene where loss of function (LOF) is a known mechanism of disease.;Absent from controls (or at extremely low frequency if recessive) in Genome Aggregation Database.

NM_000350.3(ABCA4):c.5584+1G>C

Gene: ABCA4 (ATP binding cassette subfamily A member 4; minus strand). Cytogenetic location: 1p22.1.
Variant type: single nucleotide variant.
Coding change: c.5584+1G>C on transcript NM_000350.3 (MANE Select); the canonical splice donor site of the intron after coding-DNA position 5584, G replaced by C.
Molecular consequence: splice donor variant.
Genome position (GRCh38, 1-based): chr1:94,011,261, C>G on the plus strand (G>C on the coding strand, the complement: ABCA4 is on the minus strand). VCF-style: chr1-94011261-C-G. GRCh37 (hg19) VCF-style: chr1-94476817-C-G.
Other names: c.5362+1G>C (NM_001425324.1).
Identifiers: ClinVar variation 5007240 (VCV005007240.2).